The following is an entry in ClinVar:

NM_001267550.2(TTN):c.33636del (p.Lys11213fs)

Gene: TTN (titin; minus strand). Cytogenetic location: 2q31.2.
Variant type: Deletion.
Coding change: c.33636del on transcript NM_001267550.2 (MANE Select); coding-DNA position 33636, one base deleted (C; older notation c.33636delC).
Protein change: p.Lys11213fs; shifts the reading frame from lysine 11213.
Molecular consequence: frameshift variant. On other transcripts: intron variant (3).
Genome position (GRCh38, 1-based): chr2:178,679,627, G deleted on the plus strand (C on the coding strand, the reverse complement: TTN is on the minus strand); the first of 3 consecutive G bases (chr2:178,679,627-178,679,629); deleting any one gives the same sequence. VCF-style (leftmost placement, unchanged base first): chr2-178679626-TG-T. GRCh37 (hg19) VCF-style: chr2-179544353-TG-T.
Other names: c.32685del, p.Lys10896fs (NM_001256850.1); c.29904del, p.Lys9969fs (NM_133378.4); c.13283-37310del (NM_003319.4); c.13859-37310del (NM_133437.4); c.13658-37310del (NM_133432.3); short protein forms K10896fs, K11213fs, K9969fs.
Identifiers: ClinVar variation 3757174 (VCV003757174.2).

ClinVar aggregate classification (germline): Likely pathogenic (1 of 4 stars; one submission).

Conditions:
Dilated cardiomyopathy 1G (CMD1G). Identifiers: Orphanet 154, MedGen C1858763, MONDO:0011400, OMIM 604145.
Autosomal recessive limb-girdle muscular dystrophy type 2J (LGMDR10). Also called: Limb-girdle muscular dystrophy, type 2J; MUSCULAR DYSTROPHY, LIMB-GIRDLE, AUTOSOMAL RECESSIVE 10. Identifiers: Orphanet 140922, MedGen C1837342, MONDO:0012127, OMIM 608807.

Submission:

Labcorp Genetics (formerly Invitae), Labcorp
Classification: Likely pathogenic for Dilated cardiomyopathy 1G; Autosomal recessive limb-girdle muscular dystrophy type 2J. Last evaluated: 2024-07-08. Review status: criteria provided, single submitter. Criteria: Invitae Variant Classification Sherloc (09022015). Collection method: clinical testing. Allele origin: germline.
Comment: This sequence change creates a premature translational stop signal (p.Lys11213Argfs*131) in the TTN gene. While this is not anticipated to result in nonsense mediated decay, it is expected to create a truncated TTN protein. This variant is not present in population databases (gnomAD no frequency). This variant has not been reported in the literature in individuals affected with TTN-related conditions. This variant is located in the I band of TTN (PMID: 25589632). Truncating variants in this region have been reported in individuals affected with autosomal recessive centronuclear myopathy (PMID: 23975875, Invitae internal data). Truncating variants in this region have also been identified in individuals affected with autosomal dominant dilated cardiomyopathy and/or cardio-related conditions (PMID: 27869827, 32964742, Invitae internal data). In summary, the currently available evidence indicates that the variant is pathogenic, but additional data are needed to prove that conclusively. Therefore, this variant has been classified as Likely Pathogenic.

Literature cited by the submitters: PubMed 25589632; PubMed 23975875; PubMed 27869827; PubMed 32964742.